The following continues an entry in ClinVar:

NM_002890.3(RASA1):c.1777-14T>A

ClinVar aggregate classification (germline): Benign/Likely benign. Benign (3); Likely benign (1).

Submissions 32 to 41 of 41:

Dr. Peter K. Rogan Lab, Western University
No classification provided (evidence only). Condition: Familial pancreatic carcinoma. Review status: no classification provided. Collection method: in vitro. Allele origin: not applicable. Functional consequence: retained intron. Not counted in ClinVar's aggregate classification.

Dr. Peter K. Rogan Lab, Western University
No classification provided (evidence only). Condition: Familial pancreatic carcinoma. Review status: no classification provided. Collection method: in vitro. Allele origin: not applicable. Functional consequence: retained intron. Not counted in ClinVar's aggregate classification.

Dr. Peter K. Rogan Lab, Western University
No classification provided (evidence only). Condition: Familial pancreatic carcinoma. Review status: no classification provided. Collection method: in vitro. Allele origin: not applicable. Functional consequence: retained intron. Not counted in ClinVar's aggregate classification.

Dr. Peter K. Rogan Lab, Western University
No classification provided (evidence only). Condition: Hepatocellular carcinoma. Review status: no classification provided. Collection method: in vitro. Allele origin: not applicable. Functional consequence: skipped exon, retained intron. Not counted in ClinVar's aggregate classification.

Dr. Peter K. Rogan Lab, Western University
No classification provided (evidence only). Condition: Hepatocellular carcinoma. Review status: no classification provided. Collection method: in vitro. Allele origin: not applicable. Functional consequence: retained intron. Not counted in ClinVar's aggregate classification.

Dr. Peter K. Rogan Lab, Western University
No classification provided (evidence only). Condition: Hepatocellular carcinoma. Review status: no classification provided. Collection method: in vitro. Allele origin: not applicable. Functional consequence: retained intron. Not counted in ClinVar's aggregate classification.

Dr. Peter K. Rogan Lab, Western University
No classification provided (evidence only). Condition: Lymphoma. Review status: no classification provided. Collection method: in vitro. Allele origin: not applicable. Functional consequence: skipped exon, retained intron. Not counted in ClinVar's aggregate classification.

Dr. Peter K. Rogan Lab, Western University
No classification provided (evidence only). Condition: Lymphoma. Review status: no classification provided. Collection method: in vitro. Allele origin: not applicable. Functional consequence: retained intron. Not counted in ClinVar's aggregate classification.

Dr. Peter K. Rogan Lab, Western University
No classification provided (evidence only). Condition: Lymphoma. Review status: no classification provided. Collection method: in vitro. Allele origin: not applicable. Functional consequence: retained intron. Not counted in ClinVar's aggregate classification.

Dr. Peter K. Rogan Lab, Western University
No classification provided (evidence only). Condition: Lymphoma. Review status: no classification provided. Collection method: in vitro. Allele origin: not applicable. Functional consequence: retained intron. Not counted in ClinVar's aggregate classification.